The following is an entry in ClinVar:

ClinVar aggregate classification (germline): Likely pathogenic (1 of 4 stars; one submission).

Conditions:
DYRK1A-related intellectual disability syndrome (MRD7). Also called: DYRK1A Syndrome; Intellectual developmental disorder, autosomal dominant 7. Identifiers: Orphanet 464306, MedGen C5568143, MONDO:0013578, OMIM 614104.

Submission:

Institute of Human Genetics, University of Leipzig Medical Center
Classification: Likely pathogenic for DYRK1A-related intellectual disability syndrome. Last evaluated: 2023-01-26. Review status: criteria provided, single submitter. Criteria: ACMG Guidelines, 2015. Collection method: clinical testing. Allele origin: de novo. Affected: yes.
Comment: This variant was identified as de novo (maternity and paternity confirmed)._x000D_ Criteria applied: PVS1_STR, PS2_MOD, PM2_SUP

NM_001347721.2(DYRK1A):c.1837C>T (p.Gln613Ter)

Gene: DYRK1A (dual specificity tyrosine phosphorylation regulated kinase 1A; plus strand). Cytogenetic location: 21q22.13.
Variant type: single nucleotide variant.
Coding change: c.1837C>T on transcript NM_001347721.2 (MANE Select); coding-DNA position 1837, C replaced by T.
Protein change: p.Gln613Ter; replaces glutamine 613 with a stop codon.
Molecular consequence: nonsense. On other transcripts: 3 prime UTR variant (2).
Genome position (GRCh38, 1-based): chr21:37,512,103, C>T. VCF-style: chr21-37512103-C-T. GRCh37 (hg19) VCF-style: chr21-38884406-C-T.
Other names: c.1837C>T, p.Gln613Ter (NM_001347722.2, NM_130436.2); c.1750C>T, p.Gln584Ter (NM_001347723.2); c.1864C>T, p.Gln622Ter (NM_001396.5); c.*240C>T (NM_101395.2); c.*149C>T (NM_130438.2); short protein forms Q584*, Q613*, Q622*.
Identifiers: ClinVar variation 2430280 (VCV002430280.1), dbSNP rs1555994836, ClinGen allele CA409939704.